The following is an entry in ClinVar:

NM_001308093.3(GATA4):c.943G>A (p.Gly315Arg)

Gene: GATA4 (GATA binding protein 4). Cytogenetic location: 8p23.1.
Variant type: single nucleotide variant.
Coding change: c.943G>A on transcript NM_001308093.3 (MANE Select); coding-DNA position 943, G replaced by A.
Protein change: p.Gly315Arg; replaces glycine 315 with arginine.
Molecular consequence: missense variant.
Genome position (GRCh38, 1-based): chr8:11,755,076, G>A. VCF-style: chr8-11755076-G-A. GRCh37 (hg19) VCF-style: chr8-11612585-G-A.
Other names: c.322G>A, p.Gly108Arg (NM_001308094.2, NM_001374273.1); c.196G>A, p.Gly66Arg (NM_001374274.1); c.940G>A, p.Gly314Arg (NM_002052.5); short protein forms G314R, G108R, G315R, G66R.
Identifiers: ClinVar variation 452944 (VCV000452944.11), dbSNP rs377222076, ClinGen allele CA4630764.
Genomic context (GRCh38, chr8:11,755,076, plus strand): 5'-AACCCTATATATTTACTTGTGACCCTCCAGGTCCCCAGGCCTCTTGCAATGCGGAAAGAG[G>A]GGATCCAAACCAGAAAACGGAAGCCCAAGAACCTGAATAAATCTAAGACACCAGCAGGTG-3'
Protein context (NP_001295022.1, residues 305-325): VPRPLAMRKE[Gly315Arg]IQTRKRKPKN

ClinVar aggregate classification (germline): Uncertain significance. Review status: criteria provided, multiple submitters, no conflicts (2 of 4 stars). 2 submissions from 2 submitters: Uncertain significance (2). Last evaluated 2022-06-08.

Conditions:
Atrioventricular septal defect 4 (AVSD4). Identifiers: MedGen C3280781, MONDO:0013747, OMIM 614430.

Allele frequency attached by ClinVar (database versions not stated): gnomAD exomes below 0.00001; ExAC 0.00001; TOPMed 0.00001; gnomAD 0.00002; ESP Exome Variant Server 0.00008.
gnomAD v4.1: 3 of 1,613,966 alleles (0.00019%); highest among the groups gnomAD compares: African/African-American, 0.004%; no homozygotes.

Submissions (2):

GeneDx
Classification: Uncertain significance. Last evaluated: 2022-06-08. Review status: criteria provided, single submitter. Criteria: GeneDx Variant Classification Process June 2021. Collection method: clinical testing. Allele origin: germline. Affected: yes.
Comment: Has not been previously published as pathogenic or benign to our knowledge; Not observed at significant frequency in large population cohorts (gnomAD); In silico analysis supports that this missense variant has a deleterious effect on protein structure/function

Labcorp Genetics (formerly Invitae), Labcorp
Classification: Uncertain significance for Atrioventricular septal defect 4. Last evaluated: 2021-04-05. Review status: criteria provided, single submitter. Criteria: Invitae Variant Classification Sherloc (09022015). Collection method: clinical testing. Allele origin: germline.
Comment: In summary, the available evidence is currently insufficient to determine the role of this variant in disease. Therefore, it has been classified as a Variant of Uncertain Significance. Algorithms developed to predict the effect of missense changes on protein structure and function (SIFT, PolyPhen-2, Align-GVGD) all suggest that this variant is likely to be tolerated, but these predictions have not been confirmed by published functional studies and their clinical significance is uncertain. This variant has not been reported in the literature in individuals with GATA4-related conditions. ClinVar contains an entry for this variant (Variation ID: 452944). This variant is present in population databases (rs377222076, ExAC 0.01%). This sequence change replaces glycine with arginine at codon 314 of the GATA4 protein (p.Gly314Arg). The glycine residue is highly conserved and there is a moderate physicochemical difference between glycine and arginine.